The following is an entry in ClinVar:

NM_000051.4(ATM):c.4361A>G (p.Lys1454Arg)

Gene: ATM (ATM serine/threonine kinase; plus strand). Cytogenetic location: 11q22.3.
Variant type: single nucleotide variant.
Coding change: c.4361A>G on transcript NM_000051.4 (MANE Select); coding-DNA position 4361, A replaced by G.
Protein change: p.Lys1454Arg; replaces lysine 1454 with arginine.
Molecular consequence: missense variant.
Genome position (GRCh38, 1-based): chr11:108,289,726, A>G. VCF-style: chr11-108289726-A-G. GRCh37 (hg19) VCF-style: chr11-108160453-A-G.
Other names: c.4361A>G, p.Lys1454Arg (NM_001351834.2); short protein forms K1454R.
Identifiers: ClinVar variation 482527 (VCV000482527.22), dbSNP rs1451928082, ClinGen allele CA382532047.

ClinVar aggregate classification (germline): Uncertain significance. Review status: criteria provided, multiple submitters, no conflicts (2 of 4 stars). 5 submissions from 5 submitters: Uncertain significance (4). 1 of the submissions does not count toward it. Last evaluated 2025-05-21.

Conditions:
Hereditary cancer-predisposing syndrome. Also called: Hereditary neoplastic syndrome; Neoplastic Syndromes, Hereditary; Tumor predisposition; Hereditary Cancer Syndrome. Identifiers: Orphanet 140162, MedGen C0027672, MeSH D009386, MONDO:0015356.
Familial cancer of breast. Also called: BREAST CANCER, FAMILIAL; Hereditary breast cancer; hereditary breast carcinoma. Identifiers: Orphanet 227535, MedGen C0346153, MONDO:0016419, OMIM 114480. Disease mechanism: loss of function.
Ataxia-telangiectasia syndrome (AT). Also called: LOUIS-BAR SYNDROME; Cerebello-oculocutaneous telangiectasia; Immunodeficiency with ataxia telangiectasia; AT, COMPLEMENTATION GROUP C; Ataxia-telangiectasia, complementation group D; ATAXIA-TELANGIECTASIA, COMPLEMENTATION GROUP A. Identifiers: Orphanet 100, MedGen C0004135, MONDO:0008840, OMIM 208900.

Allele frequency attached by ClinVar (database versions not stated): gnomAD exomes below 0.00001.
gnomAD v4.1: 5 of 1,613,820 alleles (0.00031%); highest among the groups gnomAD compares: South Asian, 0.0011%; no homozygotes.

Submissions (5):

Ambry Genetics
Classification: Uncertain significance for Hereditary cancer-predisposing syndrome. Last evaluated: 2025-05-21. Review status: criteria provided, single submitter. Criteria: Ambry Variant Classification Scheme 2023. Collection method: clinical testing. Allele origin: germline.
Comment: The p.K1454R variant (also known as c.4361A>G), located in coding exon 28 of the ATM gene, results from an A to G substitution at nucleotide position 4361. The lysine at codon 1454 is replaced by arginine, an amino acid with highly similar properties. This amino acid position is well conserved in available vertebrate species. In addition, this alteration is predicted to be tolerated by in silico analysis. Since supporting evidence is limited at this time, the clinical significance of this alteration remains unclear.

Labcorp Genetics (formerly Invitae), Labcorp
Classification: Uncertain significance for Ataxia-telangiectasia syndrome. Last evaluated: 2025-01-21. Review status: criteria provided, single submitter. Criteria: Invitae Variant Classification Sherloc (09022015). Collection method: clinical testing. Allele origin: germline.
Comment: This sequence change replaces lysine, which is basic and polar, with arginine, which is basic and polar, at codon 1454 of the ATM protein (p.Lys1454Arg). This variant is present in population databases (no rsID available, gnomAD 0.003%). This missense change has been observed in individual(s) with chronic lymphocytic leukemia (PMID: 28652578). ClinVar contains an entry for this variant (Variation ID: 482527). Invitae Evidence Modeling of protein sequence and biophysical properties (such as structural, functional, and spatial information, amino acid conservation, physicochemical variation, residue mobility, and thermodynamic stability) indicates that this missense variant is not expected to disrupt ATM protein function with a negative predictive value of 95%. In summary, the available evidence is currently insufficient to determine the role of this variant in disease. Therefore, it has been classified as a Variant of Uncertain Significance.

Baylor Genetics
Classification: Uncertain significance for Familial cancer of breast. Last evaluated: 2023-11-03. Review status: criteria provided, single submitter. Criteria: ACMG Guidelines, 2015. Collection method: clinical testing. Allele origin: unknown.

Women's Health and Genetics/Laboratory Corporation of America, LabCorp
Classification: Uncertain significance. Last evaluated: 2020-11-19. Review status: criteria provided, single submitter. Criteria: LabCorp Variant Classification Summary - May 2015. Collection method: clinical testing. Allele origin: germline.
Comment: Variant summary: ATM c.4361A>G (p.Lys1454Arg) results in a conservative amino acid change in the encoded protein sequence. Four of five in-silico tools predict a benign effect of the variant on protein function. The variant allele was found at a frequency of 4e-06 in 251166 control chromosomes. The available data on variant occurrences in the general population are insufficient to allow any conclusion about variant significance. c.4361A>G has been reported in the literature in individuals affected with CLL (Tiao_2017). This report does not provide unequivocal conclusions about association of the variant with Breast Cancer. To our knowledge, no experimental evidence demonstrating an impact on protein function has been reported. Two clinical diagnostic laboratories have submitted clinical-significance assessments for this variant to ClinVar after 2014 without evidence for independent evaluation. Both laboratories classified the variant as uncertain significance. Based on the evidence outlined above, the variant was classified as uncertain significance.

Natera, Inc.
Classification: Uncertain significance for Ataxia-telangiectasia. Last evaluated: 2021-01-06. Review status: no assertion criteria provided. Collection method: clinical testing. Allele origin: germline. Not counted in ClinVar's aggregate classification.

Literature cited by the submitters: PubMed 28652578 (cited by Labcorp Genetics (formerly Invitae), Labcorp and Women's Health and Genetics/Laboratory Corporation of America, LabCorp).